The following is an entry in ClinVar:

ClinVar aggregate classification (germline): Conflicting classifications of pathogenicity. Review status: criteria provided, conflicting classifications (1 of 4 stars). 9 submissions from 9 submitters: Uncertain significance (5); Benign (1); Likely benign (3). Last evaluated 2026-09-02.

Conditions:
TTN-related disorder. Also called: TTN-related condition; TTN-related disease; TTN-related disorders.
Cardiovascular phenotype. Identifiers: MedGen CN230736.
Autosomal recessive limb-girdle muscular dystrophy type 2J (LGMDR10). Also called: Limb-girdle muscular dystrophy, type 2J; MUSCULAR DYSTROPHY, LIMB-GIRDLE, AUTOSOMAL RECESSIVE 10. Identifiers: Orphanet 140922, MedGen C1837342, MONDO:0012127, OMIM 608807.
Dilated cardiomyopathy 1G (CMD1G). Identifiers: Orphanet 154, MedGen C1858763, MONDO:0011400, OMIM 604145.
Cardiomyopathy (CMYO). Also called: Cardiomyopathies. Identifiers: Orphanet 167848, MedGen C0878544, MONDO:0004994, HP:0001638. Inheritance: Various modes of inheritance.

Allele frequency attached by ClinVar (database versions not stated): gnomAD exomes 0.00003 and 0.00007; TOPMed 0.00024; 1000 Genomes Project 30x 0.00031; gnomAD 0.00032; ESP Exome Variant Server 0.00033; 1000 Genomes Project 0.00040.
gnomAD v4.1: 82 of 1,613,800 alleles (0.0051%); highest among the groups gnomAD compares: African/African-American, 0.099%; no homozygotes.

Submissions (9):

PreventionGenetics, part of Exact Sciences
Classification: Uncertain significance for TTN-related condition. Last evaluated: 2026-09-02. Review status: criteria provided, single submitter. Criteria: ACMG Guidelines, 2015. Collection method: clinical testing. Allele origin: germline.
Comment: The TTN c.107753G>A variant is predicted to result in the amino acid substitution p.Cys35918Tyr. This variant has been reported in a cohort of individuals with dilated cardiomyopathy (Table S6, Haas et al. 2015. PubMed ID: 25163546). This variant is reported in 0.11% of alleles in individuals of African descent in gnomAD, which may be too frequent to be a primary cause of disease. Although we suspect that this variant may be benign, at this time, the clinical significance of this variant is uncertain due to the absence of conclusive functional and genetic evidence.

Athena Diagnostics
Classification: Likely benign. Last evaluated: 2024-10-16. Review status: criteria provided, single submitter. Criteria: Athena Diagnostics Criteria. Collection method: clinical testing. Allele origin: unknown.

Mayo Clinic Laboratories, Mayo Clinic
Classification: Uncertain significance. Last evaluated: 2021-02-24. Review status: criteria provided, single submitter. Criteria: ACMG Guidelines, 2015. Collection method: clinical testing. Allele origin: germline. Observed: 1 variant allele.

Ambry Genetics
Classification: Likely benign for Cardiovascular phenotype. Last evaluated: 2020-07-14. Review status: criteria provided, single submitter. Criteria: Ambry Variant Classification Scheme 2023. Collection method: clinical testing. Allele origin: germline.

GeneDx
Classification: Likely benign. Last evaluated: 2020-03-10. Review status: criteria provided, single submitter. Criteria: GeneDx Variant Classification Process June 2021. Collection method: clinical testing. Allele origin: germline. Affected: yes.
Comment: This variant is associated with the following publications: (PMID: 25163546)

Revvity Omics, Revvity
Classification: Uncertain significance. Last evaluated: 2019-12-02. Review status: criteria provided, single submitter. Criteria: ACMG Guidelines, 2015. Collection method: clinical testing. Allele origin: germline.

CHEO Genetics Diagnostic Laboratory, Children's Hospital of Eastern Ontario
Classification: Benign for Cardiomyopathy. Last evaluated: 2019-09-06. Review status: criteria provided, single submitter. Criteria: ACMG Guidelines, 2015. Collection method: clinical testing. Allele origin: germline. Study: Canadian Open Genetics Repository.

Labcorp Genetics (formerly Invitae), Labcorp
Classification: Uncertain significance for Dilated cardiomyopathy 1G; Autosomal recessive limb-girdle muscular dystrophy type 2J. Last evaluated: 2018-01-23. Review status: criteria provided, single submitter. Criteria: Invitae Variant Classification Sherloc (09022015). Collection method: clinical testing. Allele origin: germline.

Laboratory for Molecular Medicine, Mass General Brigham Personalized Medicine
Classification: Uncertain significance. Last evaluated: 2013-06-27. Review status: criteria provided, single submitter. Criteria: LMM Criteria. Collection method: clinical testing. Allele origin: germline. Observed: 2 variant alleles.
Comment: Variant classified as Uncertain Significance - Favor Benign. It has also been identified in 1.1% (2/176) of Yoruba chromosomes by the 1000 Genomes Project (dbSNP rs193212275) and 0.1% (4/3778) of African American c hromosomes by the NHLBI Exome Sequencing Project (VS/). Computational analyses (biochemical amino acid properties, conservation, P olyPhen2, and SIFT) suggest that this variant may impact the protein, though thi s information is not predictive enough to determine pathogenicity. Although the frequency of this variant suggests that it may be more likely benign, it is too low to confidently rule out a disease-causing role. Additional studies are neede d to fully assess the clinical significance of this variant.

Literature cited by the submitters: PubMed 25163546 (cited by Athena Diagnostics and Ambry Genetics); PubMed 31856237 (cited by Ambry Genetics).

NM_001267550.2(TTN):c.107753G>A (p.Cys35918Tyr)

Genes: TTN (titin; minus strand), TTN-AS1 (TTN antisense RNA 1; plus strand). Cytogenetic location: 2q31.2.
Variant type: single nucleotide variant.
Coding change: c.107753G>A on transcript NM_001267550.2 (MANE Select); coding-DNA position 107753, G replaced by A.
Protein change: p.Cys35918Tyr; replaces cysteine 35918 with tyrosine.
Molecular consequence: missense variant.
Genome position (GRCh38, 1-based): chr2:178,527,235, C>T on the plus strand (G>A on the coding strand, the complement: TTN is on the minus strand). VCF-style: chr2-178527235-C-T. GRCh37 (hg19) VCF-style: chr2-179391962-C-T.
Other names: p.C34277Y:TGT>TAT; c.102830G>A, p.Cys34277Tyr (NM_001256850.1); c.100049G>A, p.Cys33350Tyr (NM_133378.4); c.80558G>A, p.Cys26853Tyr (NM_003319.4); c.80933G>A, p.Cys26978Tyr (NM_133432.3); c.81134G>A, p.Cys27045Tyr (NM_133437.4); c.107753G>A (NM_001267550.1); short protein forms C35918Y, C33350Y, C34277Y, C26853Y, C27045Y, C26978Y.
Identifiers: ClinVar variation 46573 (VCV000046573.26), dbSNP rs193212275, ClinGen allele CA138642.